The following is an entry in ClinVar:

NM_014709.4(USP34):c.2471C>A (p.Ala824Asp)

Gene: USP34 (ubiquitin specific peptidase 34; minus strand). Cytogenetic location: 2p15.
Variant type: single nucleotide variant.
Coding change: c.2471C>A on transcript NM_014709.4 (MANE Select); coding-DNA position 2471, C replaced by A.
Protein change: p.Ala824Asp; replaces alanine 824 with aspartic acid.
Molecular consequence: missense variant.
Genome position (GRCh38, 1-based): chr2:61,343,844, G>T on the plus strand (C>A on the coding strand, the complement: USP34 is on the minus strand). VCF-style: chr2-61343844-G-T. GRCh37 (hg19) VCF-style: chr2-61570979-G-T.
Other names: short protein forms A824D.
Identifiers: ClinVar variation 4888126 (VCV004888126.1).

ClinVar aggregate classification (germline): Uncertain significance (1 of 4 stars; one submission).

Submission:

GeneDx
Classification: Uncertain significance. Last evaluated: 2022-03-09. Review status: criteria provided, single submitter. Criteria: GeneDx Variant Classification Process June 2021. Collection method: clinical testing. Allele origin: germline.
Comment: Not observed at significant frequency in large population cohorts (gnomAD); In silico analysis supports that this missense variant does not alter protein structure/function; Has not been previously published as pathogenic or benign to our knowledge; Variants in candidate genes are classified as variants of uncertain significance in accordance with ACMG guidelines (Richards et al., 2015)